The following is an entry in ClinVar:

Single allele

Gene: DMD (dystrophin; minus strand). Cytogenetic location: Xp21.1.
Variant type: Deletion.
Identifiers: ClinVar variation 1807268 (VCV001807268.1).

ClinVar aggregate classification (germline): Pathogenic (1 of 4 stars; one submission).

Submission:

Athena Diagnostics
Classification: Pathogenic. Last evaluated: 2022-09-13. Review status: criteria provided, single submitter. Criteria: Athena Diagnostics Criteria. Collection method: clinical testing. Allele origin: unknown.
Comment: This deletion is predicted to maintain the transcript reading frame, however, it also disrupts an important binding domain of the protein and is thus expected to severely disrupt function. Similar deletions of exon 3-44 have been reported in patients with DMD and those with BMD.

Literature cited by the submitters: PubMed 21515508; PubMed 18752307; PubMed 33644936; PubMed 24099565; PubMed 10619712; PubMed 16049303; PubMed 19367636; PubMed 23588064; PubMed 31443951; PubMed 25972034; PubMed 23476807; PubMed 28116794; PubMed 28181689; PubMed 35501714; PubMed 34297739; PubMed 33101180; PubMed 33238405; PubMed 29973226; PubMed 31705731; PubMed 31139960; PubMed 31081998; PubMed 27593222.